The following is an entry in ClinVar:

ClinVar aggregate classification (germline): Uncertain significance (0 of 4 stars; one submission).

Conditions:
PTPN4-related disorder. Also called: PTPN4-Related Disorders; PTPN4-related condition.

Submission:

PreventionGenetics, part of Exact Sciences
Classification: Uncertain significance for PTPN4-related condition. Last evaluated: 2024-09-27. Review status: no assertion criteria provided. Collection method: clinical testing. Allele origin: germline.
Comment: The PTPN4 c.679C>T variant is predicted to result in premature protein termination (p.Gln227*). To our knowledge, this variant has not been reported in the literature or in a large population database, indicating this variant is rare. Although we suspect that this variant may be pathogenic, at this time, the clinical significance of this variant is uncertain due to the absence of conclusive functional and genetic evidence.

NM_002830.4(PTPN4):c.679C>T (p.Gln227Ter)

Gene: PTPN4 (protein tyrosine phosphatase non-receptor type 4; plus strand). Cytogenetic location: 2q14.2.
Variant type: single nucleotide variant.
Coding change: c.679C>T on transcript NM_002830.4 (MANE Select); coding-DNA position 679, C replaced by T.
Protein change: p.Gln227Ter; replaces glutamine 227 with a stop codon.
Molecular consequence: nonsense.
Genome position (GRCh38, 1-based): chr2:119,900,721, C>T. VCF-style: chr2-119900721-C-T. GRCh37 (hg19) VCF-style: chr2-120658297-C-T.
Other names: short protein forms Q227*.
Identifiers: ClinVar variation 3344123 (VCV003344123.1).
Genomic context (GRCh38, chr2:119,900,721, plus strand): 5'-TCTCTAACAAAGCCCATAAATTTAGATTTATCATGTTTTTATTCATTTTTTTTGAAGGAT[C>T]AGAGTAACAATGAAATTATGATTGGAGTGATGTCAGGAGGAATTCTGATTTATAAGAACA-3'